The following is an entry in ClinVar:

ClinVar aggregate classification (germline): no classifications from unflagged records (0 of 4 stars; one submission).

Conditions:
Severe congenital hypochromic anemia with ringed sideroblasts. Also called: Hypochromic microcytic anemia with iron overload 2. Identifiers: Orphanet 300298, MedGen C3808920, MONDO:0014094, OMIM 615234.

Submission:

OMIM
Classification: Pathogenic for ANEMIA, HYPOCHROMIC MICROCYTIC, WITH IRON OVERLOAD 2 (1 family). Last evaluated: 2011-12-15. Review status: flagged submission. Collection method: literature only. Allele origin: germline.
ClinVar note: Notes: Flagging candidate with reason of insufficient supporting evidence. This gene has been classified as having a disputed gene-disease relationship by a ClinGen Expert Panel.
ClinVar note: Reason: P/LP classification for a variant in a gene with insufficient evidence for a gene-disease relationship

Literature cited by the submitters: PubMed 22031863.

NM_182915.3(STEAP3):c.330C>A (p.Cys110Ter)

Genes: STEAP3 (STEAP3 metalloreductase; plus strand), STEAP3-AS1 (STEAP3 antisense RNA 1; minus strand). Cytogenetic location: 2q14.2.
Variant type: single nucleotide variant.
Coding change: c.330C>A on transcript NM_182915.3 (MANE Select); coding-DNA position 330, C replaced by A.
Protein change: p.Cys110Ter; replaces cysteine 110 with a stop codon.
Molecular consequence: nonsense. On other transcripts: non-coding transcript variant (1).
Genome position (GRCh38, 1-based): chr2:119,245,796, C>A. VCF-style: chr2-119245796-C-A. GRCh37 (hg19) VCF-style: chr2-120003372-C-A.
Other names: c.300C>A, p.Cys100Ter (NM_001008410.2, NM_018234.3, NM_138637.3); short protein forms C100*, C110*.
Identifiers: ClinVar variation 50372 (VCV000050372.3), dbSNP rs587776963, ClinGen allele CA214416.
Genomic context (GRCh38, chr2:119,245,796, plus strand): 5'-AGTGAGCTCCCCGGAGGTCATCTTTGTGGCTGTGTTCCGGGAGCACTACTCTTCACTGTG[C>A]AGTCTCAGTGACCAGCTGGCGGGCAAGATCCTGGTGGATGTGAGCAACCCTACAGAGCAA-3'